The following is an entry in ClinVar:

ClinVar aggregate classification (germline): Uncertain significance. Review status: criteria provided, multiple submitters, no conflicts (2 of 4 stars). 2 submissions from 2 submitters: Uncertain significance (2). Last evaluated 2024-02-26.

Conditions:
Hereditary nonpolyposis colorectal neoplasms. Identifiers: MedGen C0009405, MeSH D003123.
Hereditary cancer-predisposing syndrome. Also called: Neoplastic Syndromes, Hereditary; Tumor predisposition; Hereditary Cancer Syndrome; Hereditary neoplastic syndrome. Identifiers: Orphanet 140162, MedGen C0027672, MeSH D009386, MONDO:0015356.

gnomAD v4.1: 2 of 1,614,034 alleles (0.00012%); highest among the groups gnomAD compares: Admixed American, 0.0017%; no homozygotes.

Submissions (2):

Labcorp Genetics (formerly Invitae), Labcorp
Classification: Uncertain significance for Hereditary nonpolyposis colorectal neoplasms. Last evaluated: 2024-02-26. Review status: criteria provided, single submitter. Criteria: Invitae Variant Classification Sherloc (09022015). Collection method: clinical testing. Allele origin: germline.
Comment: This sequence change replaces arginine, which is basic and polar, with lysine, which is basic and polar, at codon 384 of the MSH6 protein (p.Arg384Lys). This variant is not present in population databases (gnomAD no frequency). This variant has not been reported in the literature in individuals affected with MSH6-related conditions. ClinVar contains an entry for this variant (Variation ID: 230988). Advanced modeling of protein sequence and biophysical properties (such as structural, functional, and spatial information, amino acid conservation, physicochemical variation, residue mobility, and thermodynamic stability) performed at Invitae indicates that this missense variant is not expected to disrupt MSH6 protein function with a negative predictive value of 95%. In summary, the available evidence is currently insufficient to determine the role of this variant in disease. Therefore, it has been classified as a Variant of Uncertain Significance.

Ambry Genetics
Classification: Uncertain significance for Hereditary cancer-predisposing syndrome. Last evaluated: 2015-03-23. Review status: criteria provided, single submitter. Criteria: Ambry Variant Classification Scheme 2023. Collection method: clinical testing. Allele origin: germline.
Comment: The p.R384K variant (also known as c.1151G>A), located in coding exon 4 of the MSH6 gene, results from a G to A substitution at nucleotide position 1151. The arginine at codon 384 is replaced by lysine, an amino acid with highly similar properties. The CoDP in silico tool predicts this alteration to have minor impact on molecular function, with a score of 0.111 (Terui H et al. J. Biomed. Sci. 2013;20:25). This variant was not reported in population based cohorts in the following databases: Database of Single Nucleotide Polymorphisms (dbSNP), NHLBI Exome Sequencing Project (ESP), and 1000 Genomes Project. In the ESP, this variant was not observed in 6503 samples (13006 alleles) with coverage at this position. To date, this alteration has been detected with an allele frequency of approximately 0.002% (greater than 42000 alleles tested) in our clinical cohort. This amino acid position is well conserved in available vertebrate species. In addition, the in silico prediction for this alteration is inconclusive. Since supporting evidence is limited at this time, the clinical significance of p.R384K remains unclear.

NM_000179.3(MSH6):c.1151G>A (p.Arg384Lys)

Gene: MSH6 (mutS homolog 6; plus strand). Cytogenetic location: 2p16.3.
Variant type: single nucleotide variant.
Coding change: c.1151G>A on transcript NM_000179.3 (MANE Select); coding-DNA position 1151, G replaced by A.
Protein change: p.Arg384Lys; replaces arginine 384 with lysine.
Molecular consequence: missense variant.
Genome position (GRCh38, 1-based): chr2:47,799,134, G>A. VCF-style: chr2-47799134-G-A. GRCh37 (hg19) VCF-style: chr2-48026273-G-A.
Other names: c.761G>A, p.Arg254Lys (NM_001281492.2); c.245G>A, p.Arg82Lys (NM_001281493.2, NM_001281494.2); short protein forms R384K, R254K, R82K.
Identifiers: ClinVar variation 230988 (VCV000230988.14), dbSNP rs730881789, ClinGen allele CA10578061.
Genomic context (GRCh38, chr2:47,799,134, plus strand): 5'-TTTGGTATCATGAAACTTTAGAATGGCTTAAGGAGGAAAAGAGAAGAGATGAGCACAGGA[G>A]GAGGCCTGATCACCCCGATTTTGATGCATCTACACTCTATGTGCCTGAGGATTTCCTCAA-3'
Protein context (NP_000170.1, residues 374-394): KEEKRRDEHR[Arg384Lys]RPDHPDFDAS